The following is an entry in ClinVar:

NM_000179.3(MSH6):c.2866G>C (p.Glu956Gln)

Gene: MSH6 (mutS homolog 6; plus strand). Cytogenetic location: 2p16.3.
Variant type: single nucleotide variant.
Coding change: c.2866G>C on transcript NM_000179.3 (MANE Select); coding-DNA position 2866, G replaced by C.
Protein change: p.Glu956Gln; replaces glutamic acid 956 with glutamine.
Molecular consequence: missense variant.
Genome position (GRCh38, 1-based): chr2:47,800,849, G>C. VCF-style: chr2-47800849-G-C. GRCh37 (hg19) VCF-style: chr2-48027988-G-C.
Other names: c.2476G>C, p.Glu826Gln (NM_001281492.2); c.1960G>C, p.Glu654Gln (NM_001281493.2, NM_001281494.2); short protein forms E956Q, E826Q, E654Q.
Identifiers: ClinVar variation 571991 (VCV000571991.11), dbSNP rs935578138, ClinGen allele CA346755960.

ClinVar aggregate classification (germline): Uncertain significance. Review status: criteria provided, multiple submitters, no conflicts (2 of 4 stars). 2 submissions from 2 submitters: Uncertain significance (2). Last evaluated 2025-08-06.

Conditions:
Hereditary nonpolyposis colorectal neoplasms. Identifiers: MedGen C0009405, MeSH D003123.
Hereditary cancer-predisposing syndrome. Also called: Hereditary neoplastic syndrome; Tumor predisposition; Neoplastic Syndromes, Hereditary; Hereditary Cancer Syndrome. Identifiers: Orphanet 140162, MedGen C0027672, MeSH D009386, MONDO:0015356.

Submissions (2):

Labcorp Genetics (formerly Invitae), Labcorp
Classification: Uncertain significance for Hereditary nonpolyposis colorectal neoplasms. Last evaluated: 2025-08-06. Review status: criteria provided, single submitter. Criteria: Invitae Variant Classification Sherloc (09022015). Collection method: clinical testing. Allele origin: germline.
Comment: This sequence change replaces glutamic acid, which is acidic and polar, with glutamine, which is neutral and polar, at codon 956 of the MSH6 protein (p.Glu956Gln). This variant is not present in population databases (gnomAD no frequency). This variant has not been reported in the literature in individuals affected with MSH6-related conditions. ClinVar contains an entry for this variant (Variation ID: 571991). Invitae Evidence Modeling of protein sequence and biophysical properties (such as structural, functional, and spatial information, amino acid conservation, physicochemical variation, residue mobility, and thermodynamic stability) indicates that this missense variant is not expected to disrupt MSH6 protein function with a negative predictive value of 95%. In summary, the available evidence is currently insufficient to determine the role of this variant in disease. Therefore, it has been classified as a Variant of Uncertain Significance.

Ambry Genetics
Classification: Uncertain significance for Hereditary cancer-predisposing syndrome. Last evaluated: 2022-01-12. Review status: criteria provided, single submitter. Criteria: Ambry Variant Classification Scheme 2023. Collection method: clinical testing. Allele origin: germline.
Comment: The p.E956Q variant (also known as c.2866G>C), located in coding exon 4 of the MSH6 gene, results from a G to C substitution at nucleotide position 2866. The glutamic acid at codon 956 is replaced by glutamine, an amino acid with highly similar properties. This amino acid position is not well conserved in available vertebrate species. In addition, the in silico prediction for this alteration is inconclusive. Since supporting evidence is limited at this time, the clinical significance of this alteration remains unclear.